The following is an entry in ClinVar:

NM_002098.6(GUCA1B):c.288G>A (p.Trp96Ter)

Gene: GUCA1B (guanylate cyclase activator 1B; minus strand). Cytogenetic location: 6p21.1.
Variant type: single nucleotide variant.
Coding change: c.288G>A on transcript NM_002098.6 (MANE Select); coding-DNA position 288, G replaced by A.
Protein change: p.Trp96Ter; replaces tryptophan 96 with a stop codon.
Molecular consequence: nonsense.
Genome position (GRCh38, 1-based): chr6:42,188,651, C>T on the plus strand (G>A on the coding strand, the complement: GUCA1B is on the minus strand). VCF-style: chr6-42188651-C-T. GRCh37 (hg19) VCF-style: chr6-42156389-C-T.
Other names: short protein forms W96*.
Identifiers: ClinVar variation 852359 (VCV000852359.9), dbSNP rs369754399, ClinGen allele CA3805606.

ClinVar aggregate classification (germline): Uncertain significance (1 of 4 stars; one submission).

Allele frequency attached by ClinVar (database versions not stated): TOPMed below 0.00001; gnomAD exomes 0.00001 and 0.00002; ExAC 0.00002; ESP Exome Variant Server 0.00008.
gnomAD v4.1: 7 of 1,614,040 alleles (0.00043%); highest among the groups gnomAD compares: South Asian, 0.0077%; no homozygotes.

Submission:

Labcorp Genetics (formerly Invitae), Labcorp
Classification: Uncertain significance. Last evaluated: 2022-04-17. Review status: criteria provided, single submitter. Criteria: Invitae Variant Classification Sherloc (09022015). Collection method: clinical testing. Allele origin: germline.
Comment: This premature translational stop signal has been observed in individual(s) with clinical features of inherited retinal dystrophy (Invitae). ClinVar contains an entry for this variant (Variation ID: 852359). In summary, the available evidence is currently insufficient to determine the role of this variant in disease. Therefore, it has been classified as a Variant of Uncertain Significance. This variant is present in population databases (rs369754399, gnomAD 0.01%). This sequence change creates a premature translational stop signal (p.Trp96*) in the GUCA1B gene. It is expected to result in an absent or disrupted protein product. However, the current clinical and genetic evidence is not sufficient to establish whether loss-of-function variants in GUCA1B cause disease.